The following is an entry in ClinVar:

ClinVar aggregate classification (germline): Uncertain significance (1 of 4 stars; one submission).

Conditions:
Neonatal-onset encephalopathy with rigidity and seizures. Also called: Lethal neonatal spasticity-epileptic encephalopathy syndrome. Identifiers: Orphanet 435845, MedGen C3281029, MONDO:0013784, OMIM 614498.

Submission:

Labcorp Genetics (formerly Invitae), Labcorp
Classification: Uncertain significance for Neonatal-onset encephalopathy with rigidity and seizures. Last evaluated: 2023-09-08. Review status: criteria provided, single submitter. Criteria: Invitae Variant Classification Sherloc (09022015). Collection method: clinical testing. Allele origin: germline.
Comment: Experimental studies and prediction algorithms are not available or were not evaluated, and the functional significance of this variant is currently unknown. In summary, the available evidence is currently insufficient to determine the role of this variant in disease. Therefore, it has been classified as a Variant of Uncertain Significance. ClinVar contains an entry for this variant (Variation ID: 837200). This variant, c.224_226del, results in the deletion of 1 amino acid(s) of the BRAT1 protein (p.Phe75del), but otherwise preserves the integrity of the reading frame. This variant is present in population databases (rs762884883, gnomAD 0.002%). This variant has not been reported in the literature in individuals affected with BRAT1-related conditions.

NM_152743.4(BRAT1):c.224_226del (p.Phe75del)

Gene: BRAT1 (BRCA1 associated ATM activator 1; minus strand). Cytogenetic location: 7p22.3.
Variant type: Deletion.
Coding change: c.224_226del on transcript NM_152743.4 (MANE Select); coding-DNA positions 224 to 226, 3 bases deleted (TCT; older notation c.224_226delTCT).
Protein change: p.Phe75del; deletes phenylalanine 75.
Molecular consequence: inframe deletion. On other transcripts: 5 prime UTR variant (1), non-coding transcript variant (1).
Genome position (GRCh38, 1-based): chr7:2,547,380-2,547,382, AGA deleted on the plus strand (TCT on the coding strand, the reverse complement: BRAT1 is on the minus strand); deleting any 3 consecutive bases within chr7:2,547,380-2,547,384 gives the same sequence; the c. name uses the placement nearest the transcript's 3' end. VCF-style (leftmost placement, unchanged base first): chr7-2547379-GAGA-G. GRCh37 (hg19) VCF-style: chr7-2587013-GAGA-G.
Other names: c.224_226del, p.Phe75del (NM_001350626.2); c.-154_-152del (NM_001350627.2); short protein forms F75del.
Identifiers: ClinVar variation 837200 (VCV000837200.8), dbSNP rs762884883, ClinGen allele CA4128276.